The following is an entry in ClinVar:

NM_001197104.2(KMT2A):c.11657A>G (p.Tyr3886Cys)

Genes: TTC36-AS1 (TTC36 and KMT2A antisense RNA 1; minus strand), KMT2A (lysine methyltransferase 2A; plus strand). Cytogenetic location: 11q23.3.
Variant type: single nucleotide variant.
Coding change: c.11657A>G on transcript NM_001197104.2 (MANE Select); coding-DNA position 11657, A replaced by G.
Protein change: p.Tyr3886Cys; replaces tyrosine 3886 with cysteine.
Molecular consequence: missense variant.
Genome position (GRCh38, 1-based): chr11:118,521,910, A>G. VCF-style: chr11-118521910-A-G. GRCh37 (hg19) VCF-style: chr11-118392625-A-G.
Other names: c.11747A>G, p.Tyr3916Cys (NM_001412597.1); c.11648A>G, p.Tyr3883Cys (NM_005933.4); short protein forms Y3886C, Y3916C, Y3883C.
Identifiers: ClinVar variation 2126488 (VCV002126488.4), dbSNP rs2497133109, ClinGen allele CA382835996.

ClinVar aggregate classification (germline): Uncertain significance (1 of 4 stars; one submission).

Allele frequency attached by ClinVar (database versions not stated): gnomAD exomes below 0.00001.
gnomAD v4.1: 3 of 1,613,338 alleles (0.00019%); highest among the groups gnomAD compares: Non-Finnish European, 0.00025%; no homozygotes.

Submission:

Labcorp Genetics (formerly Invitae), Labcorp
Classification: Uncertain significance. Last evaluated: 2022-11-08. Review status: criteria provided, single submitter. Criteria: Invitae Variant Classification Sherloc (09022015). Collection method: clinical testing. Allele origin: germline.
Comment: This sequence change replaces tyrosine, which is neutral and polar, with cysteine, which is neutral and slightly polar, at codon 3886 of the KMT2A protein (p.Tyr3886Cys). This variant is not present in population databases (gnomAD no frequency). In summary, the available evidence is currently insufficient to determine the role of this variant in disease. Therefore, it has been classified as a Variant of Uncertain Significance. Advanced modeling of protein sequence and biophysical properties (such as structural, functional, and spatial information, amino acid conservation, physicochemical variation, residue mobility, and thermodynamic stability) performed at Invitae indicates that this missense variant is expected to disrupt KMT2A protein function. This variant has not been reported in the literature in individuals affected with KMT2A-related conditions.